The following is an entry in ClinVar:

ClinVar aggregate classification (germline): Likely benign (1 of 4 stars; one submission).

gnomAD v4.1: 10 of 111,397 alleles (0.009%); highest among the groups gnomAD compares: Non-Finnish European, 0.017%; no homozygotes.

Submission:

CeGaT Center for Human Genetics Tuebingen
Classification: Likely benign. Last evaluated: 2022-12-01. Review status: criteria provided, single submitter. Criteria: CeGaT Center For Human Genetics Tuebingen Variant Classification Criteria Version 2. Collection method: clinical testing. Allele origin: germline. Affected: yes. Observed: 1 variant allele.
Comment: SSX1: BS2

NM_005635.4(SSX1):c.331-920G>A

Gene: SSX1 (SSX family member 1; plus strand). Cytogenetic location: Xp11.23.
Variant type: single nucleotide variant.
Coding change: c.331-920G>A on transcript NM_005635.4 (MANE Select); 920 bases into the intron before coding-DNA position 331, G replaced by A.
Molecular consequence: intron variant.
Genome position (GRCh38, 1-based): chrX:48,262,862, G>A. VCF-style: chrX-48262862-G-A. GRCh37 (hg19) VCF-style: chrX-48122297-G-A.
Other names: c.331-920G>A (NM_001278691.2).
Identifiers: ClinVar variation 2660447 (VCV002660447.24), dbSNP rs1383305533, ClinGen allele CA641492679.
Genomic context (GRCh38, chrX:48,262,862, plus strand): 5'-TGTATTATTCACTATTTCATAAGTGAGGAAGCTGAGTAAAAAGTAGCTTAAGGGCCGGGC[G>A]CGGGGGCTCACGACTGTAATCCCAGCAATTTAGGAGGTTGAGGCGGGCAGATTACGAGGT-3'